The following is an entry in ClinVar:

ClinVar aggregate classification (germline): Uncertain significance (1 of 4 stars; one submission).

Conditions:
Bardet-Biedl syndrome (BBS). Identifiers: Orphanet 110, MedGen C0752166, MONDO:0015229.

Allele frequency attached by ClinVar (database versions not stated): gnomAD exomes below 0.00001; ExAC 0.00001.
gnomAD v4.1: 1 of 1,614,188 alleles (0.000062%); highest among the groups gnomAD compares: Non-Finnish European, 0.000085%; no homozygotes.

Submission:

Labcorp Genetics (formerly Invitae), Labcorp
Classification: Uncertain significance for Bardet-Biedl syndrome. Last evaluated: 2022-05-21. Review status: criteria provided, single submitter. Criteria: Invitae Variant Classification Sherloc (09022015). Collection method: clinical testing. Allele origin: germline.
Comment: In summary, the available evidence is currently insufficient to determine the role of this variant in disease. Therefore, it has been classified as a Variant of Uncertain Significance. Algorithms developed to predict the effect of missense changes on protein structure and function are either unavailable or do not agree on the potential impact of this missense change (SIFT: "Deleterious"; PolyPhen-2: "Possibly Damaging"; Align-GVGD: "Class C0"). This variant has not been reported in the literature in individuals affected with BBS5-related conditions. This variant is present in population databases (rs746484637, gnomAD 0.0009%). This sequence change replaces aspartic acid, which is acidic and polar, with asparagine, which is neutral and polar, at codon 12 of the BBS5 protein (p.Asp12Asn).

NM_152384.3(BBS5):c.34G>A (p.Asp12Asn)

Genes: BBS5 (Bardet-Biedl syndrome 5; plus strand), LOC129935068 (ATAC-STARR-seq lymphoblastoid active region 16738; plus strand). Cytogenetic location: 2q31.1.
Variant type: single nucleotide variant.
Coding change: c.34G>A on transcript NM_152384.3 (MANE Select); coding-DNA position 34, G replaced by A.
Protein change: p.Asp12Asn; replaces aspartic acid 12 with asparagine.
Molecular consequence: missense variant.
Genome position (GRCh38, 1-based): chr2:169,479,587, G>A. VCF-style: chr2-169479587-G-A. GRCh37 (hg19) VCF-style: chr2-170336097-G-A.
Other names: short protein forms D12N.
Identifiers: ClinVar variation 1997557 (VCV001997557.4), dbSNP rs746484637, ClinGen allele CA1956076.